The following is an entry in ClinVar:

NM_002546.4(TNFRSF11B):c.821T>A (p.Ile274Asn)

Gene: TNFRSF11B (TNF receptor superfamily member 11b; minus strand). Cytogenetic location: 8q24.12.
Variant type: single nucleotide variant.
Coding change: c.821T>A on transcript NM_002546.4 (MANE Select); coding-DNA position 821, T replaced by A.
Protein change: p.Ile274Asn; replaces isoleucine 274 with asparagine.
Molecular consequence: missense variant.
Genome position (GRCh38, 1-based): chr8:118,924,759, A>T on the plus strand (T>A on the coding strand, the complement: TNFRSF11B is on the minus strand). VCF-style: chr8-118924759-A-T. GRCh37 (hg19) VCF-style: chr8-119936998-A-T.
Other names: short protein forms I274N.
Identifiers: ClinVar variation 4766268 (VCV004766268.1).

ClinVar aggregate classification (germline): Uncertain significance (1 of 4 stars; one submission).

gnomAD v4.1: 2 of 1,614,140 alleles (0.00012%); highest among the groups gnomAD compares: Non-Finnish European, 0.00017%; no homozygotes.

Submission:

Labcorp Genetics (formerly Invitae), Labcorp
Classification: Uncertain significance. Last evaluated: 2025-08-26. Review status: criteria provided, single submitter. Criteria: Invitae Variant Classification Sherloc (09022015). Collection method: clinical testing. Allele origin: germline.
Comment: This sequence change replaces isoleucine, which is neutral and non-polar, with asparagine, which is neutral and polar, at codon 274 of the TNFRSF11B protein (p.Ile274Asn). This variant is present in population databases (no rsID available, gnomAD 0.0009%). This variant has not been reported in the literature in individuals affected with TNFRSF11B-related conditions. Invitae Evidence Modeling of protein sequence and biophysical properties (such as structural, functional, and spatial information, amino acid conservation, physicochemical variation, residue mobility, and thermodynamic stability) has been performed for this missense variant. However, the output from this modeling did not meet the statistical confidence thresholds required to predict the impact of this variant on TNFRSF11B protein function. In summary, the available evidence is currently insufficient to determine the role of this variant in disease. Therefore, it has been classified as a Variant of Uncertain Significance.